The following is an entry in ClinVar:

NM_000059.4(BRCA2):c.7426G>C (p.Glu2476Gln)

Gene: BRCA2 (BRCA2 DNA repair associated; plus strand). Cytogenetic location: 13q13.1.
Variant type: single nucleotide variant.
Coding change: c.7426G>C on transcript NM_000059.4 (MANE Select); coding-DNA position 7426, G replaced by C.
Protein change: p.Glu2476Gln; replaces glutamic acid 2476 with glutamine.
Molecular consequence: missense variant.
Genome position (GRCh38, 1-based): chr13:32,355,279, G>C. VCF-style: chr13-32355279-G-C. GRCh37 (hg19) VCF-style: chr13-32929416-G-C.
Other names: short protein forms E2476Q.
Identifiers: ClinVar variation 559997 (VCV000559997.2), dbSNP rs879248686, ClinGen allele CA387742056.
Genomic context (GRCh38, chr13:32,355,279, plus strand): 5'-CAGTTTAACAAAAACAACTCCAATCAAGCAGTAGCTGTAACTTTCACAAAGTGTGAAGAA[G>C]AACCTTTAGGTATTGTATGACAATTTGTGTGATGAATTTTTGCCTTTCAGTTAGATATTT-3'
Protein context (NP_000050.3, residues 2466-2486): VAVTFTKCEE[Glu2476Gln]PLDLITSLQN

ClinVar aggregate classification (germline): Uncertain significance. Review status: criteria provided, single submitter (1 of 4 stars). 2 submissions from 2 submitters: Uncertain significance (1). 1 of the submissions does not count toward it. Last evaluated 2025-07-21.

Conditions:
Infiltrating duct carcinoma of breast. Also called: Invasive Ductal Carcinoma, Not Otherwise Specified; Invasive ductal breast carcinoma. Identifiers: MedGen C1412014, MONDO:0004953.
Hereditary cancer-predisposing syndrome. Also called: Hereditary neoplastic syndrome; Neoplastic Syndromes, Hereditary; Tumor predisposition; Hereditary Cancer Syndrome. Identifiers: Orphanet 140162, MedGen C0027672, MeSH D009386, MONDO:0015356.

Submissions (2):

Color Diagnostics, LLC DBA Color Health
Classification: Uncertain significance for Hereditary cancer-predisposing syndrome. Last evaluated: 2025-07-21. Review status: criteria provided, single submitter. Criteria: ACMG Guidelines, 2015. Collection method: clinical testing. Allele origin: germline.
Comment: This missense variant replaces glutamic acid with glutamine at codon 2476 of the BRCA2 protein. Computational prediction suggests that this variant may not impact protein structure and function. To our knowledge, functional studies have not been reported for this variant. This variant has not been reported in individuals affected with BRCA2-related disorders in the literature. This variant has not been identified in the general population by the Genome Aggregation Database (gnomAD). The available evidence is insufficient to determine the role of this variant in disease conclusively. Therefore, this variant is classified as a Variant of Uncertain Significance.

3DMed Clinical Laboratory Inc
Classification: Uncertain significance for Invasive Ductal Carcinoma, Not Otherwise Specified. Last evaluated: 2017-10-02. Review status: no assertion criteria provided. Criteria: ACMG Guidelines, 2015. Collection method: clinical testing. Allele origin: germline. Affected: yes. Not counted in ClinVar's aggregate classification.